The following is an entry in ClinVar:

NM_177438.3(DICER1):c.5646G>A (p.Val1882=)

Gene: DICER1 (dicer 1, ribonuclease III; minus strand). Cytogenetic location: 14q32.13.
Variant type: single nucleotide variant.
Coding change: c.5646G>A on transcript NM_177438.3 (MANE Select); coding-DNA position 5646, G replaced by A.
Protein change: p.Val1882=; no amino-acid change (valine 1882 retained).
Molecular consequence: synonymous variant. On other transcripts: nonsense (1), non-coding transcript variant (6).
Genome position (GRCh38, 1-based): chr14:95,090,621, C>T on the plus strand (G>A on the coding strand, the complement: DICER1 is on the minus strand). VCF-style: chr14-95090621-C-T. GRCh37 (hg19) VCF-style: chr14-95556958-C-T.
Other names: c.5483G>A, p.Trp1828Ter (NM_001195573.1); c.5646G>A, p.Val1882= (NM_001271282.3, NM_001291628.2, NM_001395677.1 and 8 more transcripts); c.5364G>A, p.Val1788= (NM_001395686.1); c.5241G>A, p.Val1747= (NM_001395687.1, NM_001395688.1, NM_001395689.1 and 1 more transcripts); c.5079G>A, p.Val1693= (NM_001395691.1); c.3963G>A, p.Val1321= (NM_001395697.1); short protein forms W1828*.
Identifiers: ClinVar variation 2446238 (VCV002446238.5), dbSNP rs755081246, ClinGen allele CA7330606.

ClinVar aggregate classification (germline): Conflicting classifications of pathogenicity. Review status: criteria provided, conflicting classifications (1 of 4 stars). 3 submissions from 3 submitters: Uncertain significance (2); Likely benign (1). Last evaluated 2024-07-18.

Conditions:
DICER1-related tumor predisposition. Also called: DICER1 syndrome; DICER1-related pleuropulmonary blastoma cancer predisposition syndrome. Identifiers: Orphanet 284343, MedGen C3839822, MONDO:0100216.
Hereditary cancer-predisposing syndrome. Also called: Hereditary neoplastic syndrome; Tumor predisposition; Neoplastic Syndromes, Hereditary; Hereditary Cancer Syndrome. Identifiers: Orphanet 140162, MedGen C0027672, MeSH D009386, MONDO:0015356.

Allele frequency attached by ClinVar (database versions not stated): gnomAD exomes below 0.00001; ExAC 0.00001.
gnomAD v4.1: 1 of 1,614,174 alleles (0.000062%); highest among the groups gnomAD compares: Admixed American, 0.0017%; no homozygotes.

Submissions (3):

Labcorp Genetics (formerly Invitae), Labcorp
Classification: Uncertain significance for DICER1-related tumor predisposition. Last evaluated: 2024-07-18. Review status: criteria provided, single submitter. Criteria: Invitae Variant Classification Sherloc (09022015). Collection method: clinical testing. Allele origin: germline.
Comment: This sequence change affects codon 1882 of the DICER1 mRNA. It is a 'silent' change, meaning that it does not change the encoded amino acid sequence of the DICER1 protein. This variant is present in population databases (rs755081246, gnomAD 0.003%). This variant has been observed in individual(s) with renal cell carcinoma (PMID: 34926252). This variant is also known as c.5483G>A (p.W1828*) . ClinVar contains an entry for this variant (Variation ID: 2446238). Algorithms developed to predict the effect of sequence changes on RNA splicing suggest that this variant may disrupt the consensus splice site. In summary, the available evidence is currently insufficient to determine the role of this variant in disease. Therefore, it has been classified as a Variant of Uncertain Significance.

Ambry Genetics
Classification: Likely benign for Hereditary cancer-predisposing syndrome. Last evaluated: 2023-03-09. Review status: criteria provided, single submitter. Criteria: Ambry Variant Classification Scheme 2023. Collection method: clinical testing. Allele origin: germline.

GeneDx
Classification: Uncertain significance. Last evaluated: 2022-09-22. Review status: criteria provided, single submitter. Criteria: GeneDx Variant Classification Process June 2021. Collection method: clinical testing. Allele origin: germline. Affected: yes.
Comment: Not observed at significant frequency in large population cohorts (gnomAD); In silico analysis supports that this variant does not alter splicing; Has not been previously published as pathogenic or benign to our knowledge

Literature cited by the submitters: PubMed 34926252 (cited by Labcorp Genetics (formerly Invitae), Labcorp).